The following is an entry in ClinVar:

NM_020708.5(SLC12A5):c.1395-59C>G

Gene: SLC12A5 (solute carrier family 12 member 5; plus strand). Cytogenetic location: 20q13.12.
Variant type: single nucleotide variant.
Coding change: c.1395-59C>G on transcript NM_020708.5 (MANE Select); 59 bases into the intron before coding-DNA position 1395, C replaced by G.
Molecular consequence: intron variant.
Genome position (GRCh38, 1-based): chr20:46,044,907, C>G. VCF-style: chr20-46044907-C-G. GRCh37 (hg19) VCF-style: chr20-44673546-C-G.
Other names: c.1464-59C>G (NM_001134771.2).
Identifiers: ClinVar variation 3255280 (VCV003255280.2), dbSNP rs2297197.
Genomic context (GRCh38, chr20:46,044,907, plus strand): 5'-CCCTTACAGAACTTAGTCCTGTGGCAGGCACACAGTTGGTTCTGTAGTTGGTATGGAGAC[C>G]TGCCCTGGAAATCCAGGCAGCACTGCTCACCTGGCATCTCCTGTCCACATCATTCCAGGT-3'

ClinVar aggregate classification (germline): Benign (1 of 4 stars; one submission).

Allele frequency attached by ClinVar (database versions not stated): 1000 Genomes Project 30x 0.23501; 1000 Genomes Project 0.23742; TOPMed 0.23762; gnomAD 0.24912.
gnomAD v4.1: 450,271 of 1,603,554 alleles (28%); highest among the groups gnomAD compares: Middle Eastern, 32%; 64,876 homozygotes.

Submission:

Unidad de Genómica Garrahan, Hospital de Pediatría Garrahan
Classification: Benign. Last evaluated: 2024-07-15. Review status: criteria provided, single submitter. Criteria: ACMG Guidelines, 2015. Collection method: clinical testing. Allele origin: germline. Affected: no. Observed: 37 variant alleles.
Comment: This variant is classified as Benign based on local population frequency. This variant was detected in 40% of patients studied in a panel designed for Epileptic and Developmental Encephalopathy and Progressive Myoclonus Epilepsy. Number of patients: 37. Only high quality variants are reported.